The following is an entry in ClinVar:

ClinVar aggregate classification (germline): Uncertain significance (1 of 4 stars; one submission).

Submission:

GeneDx
Classification: Uncertain significance. Last evaluated: 2020-01-30. Review status: criteria provided, single submitter. Criteria: GeneDx Variant Classification Process June 2021. Collection method: clinical testing. Allele origin: germline. Affected: yes.
Comment: Not observed in large population cohorts (Lek et al., 2016); In silico analysis, which includes protein predictors and evolutionary conservation, supports a deleterious effect; Has not been previously published as pathogenic or benign to our knowledge

NM_001376.5(DYNC1H1):c.12370C>T (p.Leu4124Phe)

Gene: DYNC1H1 (dynein cytoplasmic 1 heavy chain 1; plus strand). Cytogenetic location: 14q32.31.
Variant type: single nucleotide variant.
Coding change: c.12370C>T on transcript NM_001376.5 (MANE Select); coding-DNA position 12370, C replaced by T.
Protein change: p.Leu4124Phe; replaces leucine 4124 with phenylalanine.
Molecular consequence: missense variant.
Genome position (GRCh38, 1-based): chr14:102,042,478, C>T. VCF-style: chr14-102042478-C-T. GRCh37 (hg19) VCF-style: chr14-102508815-C-T.
Other names: short protein forms L4124F.
Identifiers: ClinVar variation 1315212 (VCV001315212.2), dbSNP rs2152596673, ClinGen allele CA391041066.